The following is an entry in ClinVar:

NM_033159.4(HYAL1):c.*492C>T

Gene: HYAL1 (hyaluronidase 1; minus strand). Cytogenetic location: 3p21.31.
Variant type: single nucleotide variant.
Coding change: c.*492C>T on transcript NM_033159.4 (MANE Select); 492 bases downstream of the stop codon, C replaced by T.
Molecular consequence: 3 prime UTR variant. On other transcripts: non-coding transcript variant (1).
Genome position (GRCh38, 1-based): chr3:50,299,991, G>A on the plus strand (C>T on the coding strand, the complement: HYAL1 is on the minus strand). VCF-style: chr3-50299991-G-A. GRCh37 (hg19) VCF-style: chr3-50337422-G-A.
Other names: c.*492C>T (NM_153281.2, NM_153282.3, NM_153283.3 and 1 more transcripts).
Identifiers: ClinVar variation 346077 (VCV000346077.6), dbSNP rs1283, ClinGen allele CA10616985.
Genomic context (GRCh38, chr3:50,299,991, plus strand): 5'-CAGCAGATTCAGGGGTCGTGCAGGGCTGGTTACCACAAACTCAGTAGGAGTGCAAGGGCT[G>A]TACCCCCGGAGCTAGACAGCCTGGGTTTGAATCTCAACTTCTCCCTTTTCTTGCTGTGCA-3'

ClinVar aggregate classification (germline): Benign. Review status: criteria provided, multiple submitters, no conflicts (2 of 4 stars). 2 submissions from 2 submitters: Benign (2). Last evaluated 2018-01-12.

Conditions:
Deficiency of hyaluronoglucosaminidase (MPS9). Also called: MPS IX; HYALURONIDASE DEFICIENCY; Mucopolysaccharidosis type 9. Identifiers: Orphanet 67041, MedGen C1291490, MONDO:0011093, OMIM 601492.

Allele frequency attached by ClinVar (database versions not stated): 1000 Genomes Project 0.03474; 1000 Genomes Project 30x 0.03654; gnomAD 0.06626 and 0.06762; TOPMed 0.06732; gnomAD exomes 0.07006.
gnomAD v4.1: 15,486 of 228,750 alleles (6.8%); highest among the groups gnomAD compares: Middle Eastern, 12%; 771 homozygotes.

Submissions (2):

Illumina Laboratory Services, Illumina
Classification: Benign for Deficiency of hyaluronoglucosaminidase. Last evaluated: 2018-01-12. Review status: criteria provided, single submitter. Criteria: ICSL Variant Classification Criteria 13 December 2019. Collection method: clinical testing. Allele origin: germline.
Comment: This variant was observed in the ICSL laboratory as part of a predisposition screen in an ostensibly healthy population. It had not been previously curated by ICSL or reported in the Human Gene Mutation Database (HGMD: prior to June 1st, 2018), and was therefore a candidate for classification through an automated scoring system. Utilizing variant allele frequency, disease prevalence and penetrance estimates, and inheritance mode, an automated score was calculated to assess if this variant is too frequent to cause the disease. Based on the score and internal cut-off values, a variant classified as benign is not then subjected to further curation. The score for this variant resulted in a classification of benign for this disease.

Breakthrough Genomics
Classification: Benign. Review status: criteria provided, single submitter. Criteria: ACMG Guidelines, 2015. Collection method: not provided. Allele origin: germline. Inheritance: Autosomal recessive inheritance. Affected: yes.